The following is an entry in ClinVar:

NM_005199.5(CHRNG):c.194T>C (p.Leu65Pro)

Gene: CHRNG (cholinergic receptor nicotinic gamma subunit; plus strand). Cytogenetic location: 2q37.1.
Variant type: single nucleotide variant.
Coding change: c.194T>C on transcript NM_005199.5 (MANE Select); coding-DNA position 194, T replaced by C.
Protein change: p.Leu65Pro; replaces leucine 65 with proline.
Molecular consequence: missense variant.
Genome position (GRCh38, 1-based): chr2:232,540,130, T>C. VCF-style: chr2-232540130-T-C. GRCh37 (hg19) VCF-style: chr2-233404840-T-C.
Other names: short protein forms L65P.
Identifiers: ClinVar variation 1708855 (VCV001708855.2), dbSNP rs745547832, ClinGen allele CA2168523.

ClinVar aggregate classification (germline): Uncertain significance (1 of 4 stars; one submission).

Allele frequency attached by ClinVar (database versions not stated): gnomAD exomes below 0.00001; ExAC 0.00001.

Submission:

GeneDx
Classification: Uncertain significance. Last evaluated: 2022-04-04. Review status: criteria provided, single submitter. Criteria: GeneDx Variant Classification Process June 2021. Collection method: clinical testing. Allele origin: germline. Affected: yes.
Comment: Not observed at significant frequency in large population cohorts (gnomAD); In silico analysis supports that this missense variant has a deleterious effect on protein structure/function; Has not been previously published as pathogenic or benign to our knowledge